The following is an entry in ClinVar:

NM_014444.5(TUBGCP4):c.1543C>T (p.Arg515Cys)

Gene: TUBGCP4 (tubulin gamma complex component 4; plus strand). Cytogenetic location: 15q15.3.
Variant type: single nucleotide variant.
Coding change: c.1543C>T on transcript NM_014444.5 (MANE Select); coding-DNA position 1543, C replaced by T.
Protein change: p.Arg515Cys; replaces arginine 515 with cysteine.
Molecular consequence: missense variant.
Genome position (GRCh38, 1-based): chr15:43,400,168, C>T. VCF-style: chr15-43400168-C-T. GRCh37 (hg19) VCF-style: chr15-43692366-C-T.
Other names: c.1546C>T, p.Arg516Cys (NM_001286414.3); short protein forms R515C, R516C.
Identifiers: ClinVar variation 2045793 (VCV002045793.1), dbSNP rs776182570, ClinGen allele CA7524114.

ClinVar aggregate classification (germline): Uncertain significance (1 of 4 stars; one submission).

Allele frequency attached by ClinVar (database versions not stated): ExAC 0.00001.
gnomAD v4.1: 3 of 1,614,134 alleles (0.00019%); highest among the groups gnomAD compares: South Asian, 0.0011%; no homozygotes.

Submission:

Labcorp Genetics (formerly Invitae), Labcorp
Classification: Uncertain significance. Last evaluated: 2022-03-04. Review status: criteria provided, single submitter. Criteria: Invitae Variant Classification Sherloc (09022015). Collection method: clinical testing. Allele origin: germline.
Comment: This sequence change replaces arginine, which is basic and polar, with cysteine, which is neutral and slightly polar, at codon 516 of the TUBGCP4 protein (p.Arg516Cys). This variant is present in population databases (rs776182570, gnomAD 0.003%). This variant has not been reported in the literature in individuals affected with TUBGCP4-related conditions. Algorithms developed to predict the effect of missense changes on protein structure and function (SIFT, PolyPhen-2, Align-GVGD) all suggest that this variant is likely to be disruptive. In summary, the available evidence is currently insufficient to determine the role of this variant in disease. Therefore, it has been classified as a Variant of Uncertain Significance.